The following is an entry in ClinVar:

ClinVar aggregate classification (germline): Pathogenic (1 of 4 stars; one submission).

Conditions:
Inborn genetic diseases. Identifiers: MedGen C0950123, MeSH D030342.

Submission:

Ambry Genetics
Classification: Pathogenic for Inborn genetic diseases. Last evaluated: 2021-09-13. Review status: criteria provided, single submitter. Criteria: Ambry Variant Classification Scheme 2023. Collection method: clinical testing. Allele origin: germline.
Comment: The c.759dupG (p.P254Afs*12) alteration, located in exon 1 of the HPDL gene, consists of a duplication of G at position 759, causing a translational frameshift with a predicted alternate stop codon after 12 amino acids. Premature stop codons are typically deleterious in nature; however, because HPDL is a single-exon gene, this alteration is not expected to trigger nonsense-mediated mRNA decay and a truncated protein could still be expressed (Maquat, 2004). This alteration results in the loss of 117 amino acids, removing 31.5% of the protein. In addition, other downstream truncating and missense alterations have been reported in the literature as disease-causing (Husain, 2020; Ghosh, 2021; Wiessner, 2021; Ambry internal data). This variant was not reported in population-based cohorts in the Genome Aggregation Database (gnomAD). Based on the available evidence, this alteration is classified as pathogenic.

Literature cited by the submitters: PubMed 33970200.

NM_032756.4(HPDL):c.759dup (p.Pro254fs)

Gene: HPDL (4-hydroxyphenylpyruvate dioxygenase like; plus strand). Cytogenetic location: 1p34.1.
Variant type: Duplication.
Coding change: c.759dup on transcript NM_032756.4 (MANE Select); coding-DNA position 759, one base duplicated (G; older notation c.759dupG).
Protein change: p.Pro254fs; shifts the reading frame from proline 254.
Molecular consequence: frameshift variant.
Genome position (GRCh38, 1-based): chr1:45,327,907, G duplicated; the last of 4 consecutive G bases (chr1:45,327,904-45,327,907); duplicating any one gives the same sequence. VCF-style (leftmost placement, unchanged base first): chr1-45327903-A-AG. GRCh37 (hg19) VCF-style: chr1-45793575-A-AG.
Other names: short protein forms P254fs.
Identifiers: ClinVar variation 2389616 (VCV002389616.2), dbSNP rs2523685586, ClinGen allele CA2580062891.